The following is an entry in ClinVar:

NM_194277.3(FRMD7):c.502A>G (p.Arg168Gly)

Gene: FRMD7 (FERM domain containing 7; minus strand). Cytogenetic location: Xq26.2.
Variant type: single nucleotide variant.
Coding change: c.502A>G on transcript NM_194277.3 (MANE Select); coding-DNA position 502, A replaced by G.
Protein change: p.Arg168Gly; replaces arginine 168 with glycine.
Molecular consequence: missense variant.
Genome position (GRCh38, 1-based): chrX:132,085,724, T>C on the plus strand (A>G on the coding strand, the complement: FRMD7 is on the minus strand). VCF-style: chrX-132085724-T-C. GRCh37 (hg19) VCF-style: chrX-131219752-T-C.
Other names: c.457A>G, p.Arg153Gly (NM_001306193.2); short protein forms R153G, R168G.
Identifiers: ClinVar variation 1500075 (VCV001500075.8), dbSNP rs780157700, ClinGen allele CA10519023.

ClinVar aggregate classification (germline): Uncertain significance (1 of 4 stars; one submission).

Allele frequency attached by ClinVar (database versions not stated): ExAC 0.00001; gnomAD exomes 0.00001 and 0.00002.
gnomAD v4.1: 7 of 1,209,351 alleles (0.00058%); highest among the groups gnomAD compares: South Asian, 0.011%; no homozygotes.

Submission:

Labcorp Genetics (formerly Invitae), Labcorp
Classification: Uncertain significance. Last evaluated: 2021-03-03. Review status: criteria provided, single submitter. Criteria: Invitae Variant Classification Sherloc (09022015). Collection method: clinical testing. Allele origin: germline.
Comment: This sequence change replaces arginine with glycine at codon 168 of the FRMD7 protein (p.Arg168Gly). The arginine residue is weakly conserved and there is a moderate physicochemical difference between arginine and glycine. In summary, the available evidence is currently insufficient to determine the role of this variant in disease. Therefore, it has been classified as a Variant of Uncertain Significance. Algorithms developed to predict the effect of missense changes on protein structure and function are either unavailable or do not agree on the potential impact of this missense change (SIFT: "Tolerated"; PolyPhen-2: "Possibly Damaging"; Align-GVGD: "Class C15"). This variant has not been reported in the literature in individuals with FRMD7-related conditions. The frequency data for this variant in the population databases is considered unreliable, as metrics indicate poor data quality at this position in the ExAC database.